The following is an entry in ClinVar:

ClinVar aggregate classification (germline): Uncertain significance (1 of 4 stars; one submission).

Conditions:
Hereditary spastic paraplegia 30. Identifiers: Orphanet 101010, MedGen C5235139, MONDO:0012476.
Neuropathy, hereditary sensory, type 2C. Also called: Hereditary sensory and autonomic neuropathy type IIC; KIF1A-Related HSAN2 (HSAN2C). Identifiers: Orphanet 970, MedGen C3280168, MONDO:0013634, OMIM 614213.
Intellectual disability, autosomal dominant 9 (NESCAVS). Also called: NESCAV SYNDROME; KIF1A-Related Neurodevelopmental Disorder. Identifiers: Orphanet 662367, MedGen C5393830, MONDO:0013656, OMIM 614255.

gnomAD v4.1: 2 of 1,613,418 alleles (0.00012%); highest among the groups gnomAD compares: South Asian, 0.0011%; no homozygotes.

Submission:

Labcorp Genetics (formerly Invitae), Labcorp
Classification: Uncertain significance for Hereditary spastic paraplegia 30; Neuropathy, hereditary sensory, type 2C; Intellectual disability, autosomal dominant 9. Last evaluated: 2025-09-08. Review status: criteria provided, single submitter. Criteria: Invitae Variant Classification Sherloc (09022015). Collection method: clinical testing. Allele origin: germline.
Comment: This sequence change replaces arginine, which is basic and polar, with cysteine, which is neutral and slightly polar, at codon 153 of the KIF1A protein (p.Arg153Cys). This variant is present in population databases (rs756309359, gnomAD 0.003%). This variant has not been reported in the literature in individuals affected with KIF1A-related conditions. ClinVar contains an entry for this variant (Variation ID: 1947015). Invitae Evidence Modeling of protein sequence and biophysical properties (such as structural, functional, and spatial information, amino acid conservation, physicochemical variation, residue mobility, and thermodynamic stability) indicates that this missense variant is expected to disrupt KIF1A protein function with a positive predictive value of 95%. In summary, the available evidence is currently insufficient to determine the role of this variant in disease. Therefore, it has been classified as a Variant of Uncertain Significance.

NM_001244008.2(KIF1A):c.457C>T (p.Arg153Cys)

Gene: KIF1A (kinesin family member 1A; minus strand). Cytogenetic location: 2q37.3.
Variant type: single nucleotide variant.
Coding change: c.457C>T on transcript NM_001244008.2 (MANE Select); coding-DNA position 457, C replaced by T.
Protein change: p.Arg153Cys; replaces arginine 153 with cysteine.
Molecular consequence: missense variant.
Genome position (GRCh38, 1-based): chr2:240,786,486, G>A on the plus strand (C>T on the coding strand, the complement: KIF1A is on the minus strand). VCF-style: chr2-240786486-G-A. GRCh37 (hg19) VCF-style: chr2-241725903-G-A.
Other names: c.457C>T, p.Arg153Cys (NM_001320705.2, NM_001330289.2, NM_001330290.2 and 21 more transcripts); short protein forms R153C.
Identifiers: ClinVar variation 1947015 (VCV001947015.5), dbSNP rs756309359, ClinGen allele CA2208759.